The following is an entry in ClinVar:

NM_000329.3(RPE65):c.576T>A (p.Ile192=)

Gene: RPE65 (retinoid isomerohydrolase RPE65; minus strand). Cytogenetic location: 1p31.3.
Variant type: single nucleotide variant.
Coding change: c.576T>A on transcript NM_000329.3 (MANE Select); coding-DNA position 576, T replaced by A.
Protein change: p.Ile192=; no amino-acid change (isoleucine 192 retained).
Molecular consequence: synonymous variant.
Genome position (GRCh38, 1-based): chr1:68,440,920, A>T on the plus strand (T>A on the coding strand, the complement: RPE65 is on the minus strand). VCF-style: chr1-68440920-A-T. GRCh37 (hg19) VCF-style: chr1-68906603-A-T.
Identifiers: ClinVar variation 876132 (VCV000876132.20), dbSNP rs747122876, ClinGen allele CA23572062.

ClinVar aggregate classification (germline): Conflicting classifications of pathogenicity. Review status: criteria provided, conflicting classifications (1 of 4 stars). 4 submissions from 3 submitters: Uncertain significance (2); Likely benign (2). Last evaluated 2025-11-12.

Conditions:
Leber congenital amaurosis 2 (LCA2). Also called: AMAUROSIS CONGENITA OF LEBER II; Autosomal Recessive RPE65-Related Retinal Degeneration. Identifiers: Orphanet 65, MedGen C1859844, MONDO:0008765, OMIM 204100. Disease mechanism: loss of function.
Retinitis pigmentosa 20 (RP20). Identifiers: Orphanet 791, MedGen C3151086, MONDO:0013425, OMIM 613794.
Retinitis pigmentosa (RP). Identifiers: Orphanet 791, MedGen C0035334, MeSH D012174, MONDO:0019200, OMIM 268000. Inheritance: Autosomal dominant, autosomal recessive and X linked inheritance.

Allele frequency attached by ClinVar (database versions not stated): gnomAD 0.00001; TOPMed 0.00001.
gnomAD v4.1: 13 of 1,613,934 alleles (0.00081%); highest among the groups gnomAD compares: Non-Finnish European, 0.0011%; 1 homozygote.

Submissions (4):

Labcorp Genetics (formerly Invitae), Labcorp
Classification: Likely benign for Leber congenital amaurosis 2; Retinitis pigmentosa 20. Last evaluated: 2025-11-12. Review status: criteria provided, single submitter. Criteria: Invitae Variant Classification Sherloc (09022015). Collection method: clinical testing. Allele origin: germline.

CeGaT Center for Human Genetics Tuebingen
Classification: Likely benign. Last evaluated: 2025-02-01. Review status: criteria provided, single submitter. Criteria: CeGaT Center For Human Genetics Tuebingen Variant Classification Criteria Version 2. Collection method: clinical testing. Allele origin: germline. Affected: yes. Observed: 1 variant allele.
Comment: RPE65: BP4, BP7

Illumina Laboratory Services, Illumina
Classification: Uncertain significance for Leber congenital amaurosis 2. Last evaluated: 2018-01-13. Review status: criteria provided, single submitter. Criteria: ICSL Variant Classification Criteria 13 December 2019. Collection method: clinical testing. Allele origin: germline.

Illumina Laboratory Services, Illumina
Classification: Uncertain significance for Retinitis pigmentosa. Last evaluated: 2018-01-13. Review status: criteria provided, single submitter. Criteria: ICSL Variant Classification Criteria 13 December 2019. Collection method: clinical testing. Allele origin: germline.